The following is an entry in ClinVar:

ClinVar aggregate classification (germline): Uncertain significance. Review status: criteria provided, multiple submitters, no conflicts (2 of 4 stars). 2 submissions from 2 submitters: Uncertain significance (2). Last evaluated 2023-11-08.

Conditions:
Inborn genetic diseases. Identifiers: MedGen C0950123, MeSH D030342.
Epidermolysis bullosa simplex 3, localized or generalized intermediate, with BP230 deficiency (EBS3). Also called: Epidermolysis bullosa simplex, autosomal recessive 2; Epidermolysis bullosa simplex due to BP230 deficiency. Identifiers: Orphanet 412181, MedGen C3809470, MONDO:0014180, OMIM 615425.
Hereditary sensory and autonomic neuropathy type 6. Also called: HSAN VI; Neuropathy, hereditary sensory and autonomic, type VI. Identifiers: Orphanet 314381, MedGen C3539003, MONDO:0013839, OMIM 614653.

Allele frequency attached by ClinVar (database versions not stated): gnomAD exomes 0.00002 and 0.00003; ExAC 0.00005; gnomAD 0.00005 and 0.00006; TOPMed 0.00006.
gnomAD v4.1: 38 of 1,613,670 alleles (0.0024%); highest among the groups gnomAD compares: Admixed American, 0.012%; no homozygotes.

Submissions (2):

Ambry Genetics
Classification: Uncertain significance for Inborn genetic diseases. Last evaluated: 2023-11-08. Review status: criteria provided, single submitter. Criteria: Ambry Variant Classification Scheme 2023. Collection method: clinical testing. Allele origin: germline.

Labcorp Genetics (formerly Invitae), Labcorp
Classification: Uncertain significance for Epidermolysis bullosa simplex 3, localized or generalized intermediate, with BP230 deficiency; Hereditary sensory and autonomic neuropathy type 6. Last evaluated: 2022-04-19. Review status: criteria provided, single submitter. Criteria: Invitae Variant Classification Sherloc (09022015). Collection method: clinical testing. Allele origin: germline.
Comment: The DST gene has multiple clinically relevant transcripts. This variant occurs in alternate transcript NM_015548.4, and corresponds to NM_001723.5:c.*87885C>T in the primary transcript. This sequence change replaces alanine, which is neutral and non-polar, with valine, which is neutral and non-polar, at codon 3305 of the DST protein (p.Ala3305Val). The frequency data for this variant in the population databases is considered unreliable, as metrics indicate poor data quality at this position in the gnomAD database. This variant has not been reported in the literature in individuals affected with DST-related conditions. Experimental studies and prediction algorithms are not available or were not evaluated, and the functional significance of this variant is currently unknown. Algorithms developed to predict the effect of sequence changes on RNA splicing suggest that this variant may create or strengthen a splice site. In summary, the available evidence is currently insufficient to determine the role of this variant in disease. Therefore, it has been classified as a Variant of Uncertain Significance.

NM_001374736.1(DST):c.17783C>T (p.Ala5928Val)

Gene: DST (dystonin; minus strand). Cytogenetic location: 6p12.1.
Variant type: single nucleotide variant.
Coding change: c.17783C>T on transcript NM_001374736.1 (MANE Select); coding-DNA position 17783, C replaced by T.
Protein change: p.Ala5928Val; replaces alanine 5928 with valine.
Molecular consequence: missense variant.
Genome position (GRCh38, 1-based): chr6:56,527,632, G>A on the plus strand (C>T on the coding strand, the complement: DST is on the minus strand). VCF-style: chr6-56527632-G-A. GRCh37 (hg19) VCF-style: chr6-56392430-G-A.
Other names: c.11426C>T, p.Ala3809Val (NM_001144769.5); c.11012C>T, p.Ala3671Val (NM_001144770.2); c.17783C>T, p.Ala5928Val (NM_001374722.1); c.16823C>T, p.Ala5608Val (NM_001374729.1); c.10565C>T, p.Ala3522Val (NM_001374730.1); c.17810C>T, p.Ala5937Val (NM_001374734.1); c.10892C>T, p.Ala3631Val (NM_001386100.1, NM_183380.4); c.9914C>T, p.Ala3305Val (NM_015548.5); short protein forms A3305V, A3522V, A3631V, A3671V, A3809V, A5608V, A5928V, A5937V.
Identifiers: ClinVar variation 1001341 (VCV001001341.8), dbSNP rs764588106, ClinGen allele CA3867366.